The following is an entry in ClinVar:

ClinVar aggregate classification (germline): Uncertain significance (1 of 4 stars; one submission).

Conditions:
Cardiovascular phenotype. Identifiers: MedGen CN230736.

gnomAD v4.1: 12 of 1,609,996 alleles (0.00075%); highest among the groups gnomAD compares: East Asian, 0.0022%; no homozygotes.

Submission:

Ambry Genetics
Classification: Uncertain significance for Cardiovascular phenotype. Last evaluated: 2026-02-28. Review status: criteria provided, single submitter. Criteria: Ambry Variant Classification Scheme 2023. Collection method: clinical testing. Allele origin: germline.
Comment: The p.R232G variant (also known as c.694C>G), located in coding exon 6 of the ENG gene, results from a C to G substitution at nucleotide position 694. The arginine at codon 232 is replaced by glycine, an amino acid with dissimilar properties. This amino acid position is conserved. In addition, this alteration is predicted to be tolerated by in silico analysis. Based on the available evidence, the clinical significance of this variant remains unclear.

NM_001114753.3(ENG):c.694C>G (p.Arg232Gly)

Gene: ENG (endoglin; minus strand). Cytogenetic location: 9q34.11.
Variant type: single nucleotide variant.
Coding change: c.694C>G on transcript NM_001114753.3 (MANE Select); coding-DNA position 694, C replaced by G.
Protein change: p.Arg232Gly; replaces arginine 232 with glycine.
Molecular consequence: missense variant.
Genome position (GRCh38, 1-based): chr9:127,825,353, G>C on the plus strand (C>G on the coding strand, the complement: ENG is on the minus strand). VCF-style: chr9-127825353-G-C. GRCh37 (hg19) VCF-style: chr9-130587632-G-C.
Other names: c.694C>G, p.Arg232Gly (NM_000118.4, NM_001406715.1); c.148C>G, p.Arg50Gly (NM_001278138.2); short protein forms R232G, R50G.
Identifiers: ClinVar variation 4836916 (VCV004836916.1).